The following is an entry in ClinVar:

NM_000158.4(GBE1):c.1409T>G (p.Leu470Arg)

Gene: GBE1 (1,4-alpha-glucan branching enzyme 1; minus strand). Cytogenetic location: 3p12.2.
Variant type: single nucleotide variant.
Coding change: c.1409T>G on transcript NM_000158.4 (MANE Select); coding-DNA position 1409, T replaced by G.
Protein change: p.Leu470Arg; replaces leucine 470 with arginine.
Molecular consequence: missense variant.
Genome position (GRCh38, 1-based): chr3:81,581,202, A>C on the plus strand (T>G on the coding strand, the complement: GBE1 is on the minus strand). VCF-style: chr3-81581202-A-C. GRCh37 (hg19) VCF-style: chr3-81630353-A-C.
Other names: short protein forms L470R.
Identifiers: ClinVar variation 4856247 (VCV004856247.1).

ClinVar aggregate classification (germline): Uncertain significance (1 of 4 stars; one submission).

Conditions:
Glycogen storage disease, type IV (GSD4). Also called: AMYLOPECTINOSIS; ANDERSEN DISEASE; BRANCHER DEFICIENCY; CIRRHOSIS, FAMILIAL, WITH DEPOSITION OF ABNORMAL GLYCOGEN; GBE1 DEFICIENCY; GLYCOGEN BRANCHING ENZYME DEFICIENCY. Identifiers: Orphanet 367, MedGen C0017923, MONDO:0009292, OMIM 232500.

Submission:

3billion
Classification: Uncertain significance for Glycogen storage disease, type IV. Last evaluated: 2026-01-27. Review status: criteria provided, single submitter. Criteria: ACMG Guidelines, 2015. Collection method: clinical testing. Allele origin: germline. Affected: yes.
Comment: The variant is not observed in the gnomAD v4.1.0 dataset. Predicted Consequence/Location: Missense variant In silico tool predictions suggest damaging effect of the variant on gene or gene product [R3Cnet: 0.89 (> 0.75, sensitivity 0.96 and precision 0.92)]. Therefore, this variant is classified as VUS according to the recommendation of ACMG/AMP guideline.